The following is an entry in ClinVar:

ClinVar aggregate classification (germline): Uncertain significance. Review status: criteria provided, multiple submitters, no conflicts (2 of 4 stars). 2 submissions from 2 submitters: Uncertain significance (2). Last evaluated 2025-05-02.

Conditions:
Breast-ovarian cancer, familial, susceptibility to, 4. Identifiers: Orphanet 145, MedGen C3280345, MONDO:0013669, OMIM 614291.
Hereditary cancer-predisposing syndrome. Also called: Neoplastic Syndromes, Hereditary; Tumor predisposition; Hereditary Cancer Syndrome; Hereditary neoplastic syndrome. Identifiers: Orphanet 140162, MedGen C0027672, MeSH D009386, MONDO:0015356.

gnomAD v4.1: 2 of 1,614,004 alleles (0.00012%); highest among the groups gnomAD compares: East Asian, 0.0022%; no homozygotes.

Submissions (2):

Ambry Genetics
Classification: Uncertain significance for Hereditary cancer-predisposing syndrome. Last evaluated: 2025-05-02. Review status: criteria provided, single submitter. Criteria: Ambry Variant Classification Scheme 2023. Collection method: clinical testing. Allele origin: germline.
Comment: The p.S267P variant (also known as c.799T>C), located in coding exon 9 of the RAD51D gene, results from a T to C substitution at nucleotide position 799. The serine at codon 267 is replaced by proline, an amino acid with similar properties. This amino acid position is conserved. In addition, this alteration is predicted to be deleterious by in silico analysis. Based on the available evidence, the clinical significance of this variant remains unclear.

Labcorp Genetics (formerly Invitae), Labcorp
Classification: Uncertain significance for Breast-ovarian cancer, familial, susceptibility to, 4. Last evaluated: 2024-02-02. Review status: criteria provided, single submitter. Criteria: Invitae Variant Classification Sherloc (09022015). Collection method: clinical testing. Allele origin: germline.
Comment: This sequence change replaces serine, which is neutral and polar, with proline, which is neutral and non-polar, at codon 267 of the RAD51D protein (p.Ser267Pro). This variant is present in population databases (no rsID available, gnomAD 0.005%). This variant has not been reported in the literature in individuals affected with RAD51D-related conditions. Advanced modeling of protein sequence and biophysical properties (such as structural, functional, and spatial information, amino acid conservation, physicochemical variation, residue mobility, and thermodynamic stability) performed at Invitae indicates that this missense variant is expected to disrupt RAD51D protein function with a positive predictive value of 80%. In summary, the available evidence is currently insufficient to determine the role of this variant in disease. Therefore, it has been classified as a Variant of Uncertain Significance.

NM_002878.4(RAD51D):c.799T>C (p.Ser267Pro)

Genes: RAD51L3-RFFL (RAD51L3-RFFL readthrough; minus strand), RAD51D (RAD51 paralog D; minus strand). Cytogenetic location: 17q12.
Variant type: single nucleotide variant.
Coding change: c.799T>C on transcript NM_002878.4 (MANE Select); coding-DNA position 799, T replaced by C.
Protein change: p.Ser267Pro; replaces serine 267 with proline.
Molecular consequence: missense variant. On other transcripts: non-coding transcript variant (3).
Genome position (GRCh38, 1-based): chr17:35,101,305, A>G on the plus strand (T>C on the coding strand, the complement: RAD51D is on the minus strand). VCF-style: chr17-35101305-A-G. GRCh37 (hg19) VCF-style: chr17-33428324-A-G.
Other names: c.859T>C, p.Ser287Pro (NM_001142571.2); c.463T>C, p.Ser155Pro (NM_133629.3); short protein forms S155P, S287P, S267P.
Identifiers: ClinVar variation 3671407 (VCV003671407.3).